The following is an entry in ClinVar:

NM_001098816.3(TENM4):c.2514C>T (p.Cys838=)

Gene: TENM4 (teneurin transmembrane protein 4; minus strand). Cytogenetic location: 11q14.1.
Variant type: single nucleotide variant.
Coding change: c.2514C>T on transcript NM_001098816.3 (MANE Select); coding-DNA position 2514, C replaced by T.
Protein change: p.Cys838=; no amino-acid change (cysteine 838 retained).
Molecular consequence: synonymous variant.
Genome position (GRCh38, 1-based): chr11:78,771,017, G>A on the plus strand (C>T on the coding strand, the complement: TENM4 is on the minus strand). VCF-style: chr11-78771017-G-A. GRCh37 (hg19) VCF-style: chr11-78482062-G-A.
Identifiers: ClinVar variation 3033759 (VCV003033759.2), dbSNP rs374395259, ClinGen allele CA6207278.

ClinVar aggregate classification (germline): Likely benign (0 of 4 stars; one submission).

Conditions:
TENM4-related disorder. Also called: TENM4-related condition.

Allele frequency attached by ClinVar (database versions not stated): gnomAD exomes 0.00013; 1000 Genomes Project 30x 0.00047; ExAC 0.00051; 1000 Genomes Project 0.00060; ESP Exome Variant Server 0.00072; gnomAD 0.00076; TOPMed 0.00099.
gnomAD v4.1: 301 of 1,584,624 alleles (0.019%); highest among the groups gnomAD compares: African/African-American, 0.27%; no homozygotes.

Submission:

PreventionGenetics, part of Exact Sciences
Classification: Likely benign for TENM4-related condition. Last evaluated: 2019-04-09. Review status: no assertion criteria provided. Collection method: clinical testing. Allele origin: germline.
Comment: This variant is classified as likely benign based on ACMG/AMP sequence variant interpretation guidelines (Richards et al. 2015 PMID: 25741868, with internal and published modifications).